The following is an entry in ClinVar:

NM_000136.3(FANCC):c.1272G>A (p.Trp424Ter)

Genes: FANCC (FA complementation group C; minus strand), AOPEP (aminopeptidase O (putative); plus strand). Cytogenetic location: 9q22.32.
Variant type: single nucleotide variant.
Coding change: c.1272G>A on transcript NM_000136.3 (MANE Select); coding-DNA position 1272, G replaced by A.
Protein change: p.Trp424Ter; replaces tryptophan 424 with a stop codon.
Molecular consequence: nonsense.
Genome position (GRCh38, 1-based): chr9:95,111,520, C>T on the plus strand (G>A on the coding strand, the complement: FANCC is on the minus strand). VCF-style: chr9-95111520-C-T. GRCh37 (hg19) VCF-style: chr9-97873802-C-T.
Other names: c.1272G>A, p.Trp424Ter (NM_001243743.2, NM_001243744.2); short protein forms W424*.
Identifiers: ClinVar variation 1050046 (VCV001050046.7), dbSNP rs2134548133, ClinGen allele CA374107340.

ClinVar aggregate classification (germline): Pathogenic. Review status: criteria provided, multiple submitters, no conflicts (2 of 4 stars). 3 submissions from 3 submitters: Pathogenic (2). 1 of the submissions does not count toward it. Last evaluated 2024-05-01.

Conditions:
Hereditary cancer-predisposing syndrome. Also called: Tumor predisposition; Hereditary neoplastic syndrome; Hereditary Cancer Syndrome; Neoplastic Syndromes, Hereditary. Identifiers: Orphanet 140162, MedGen C0027672, MeSH D009386, MONDO:0015356.
Fanconi anemia (FA). Also called: Fanconi's anemia. Identifiers: Orphanet 84, MedGen C0015625, MeSH D005199, MONDO:0019391.

Submissions (3):

Ambry Genetics
Classification: Pathogenic for Hereditary cancer-predisposing syndrome. Last evaluated: 2024-05-01. Review status: criteria provided, single submitter. Criteria: Ambry Variant Classification Scheme 2023. Collection method: clinical testing. Allele origin: germline.
Comment: The p.W424* pathogenic mutation (also known as c.1272G>A), located in coding exon 12 of the FANCC gene, results from a G to A substitution at nucleotide position 1272. This changes the amino acid from a tryptophan to a stop codon within coding exon 12. This variant was not reported in population-based cohorts in the Genome Aggregation Database (gnomAD). This alteration is expected to result in loss of function by premature protein truncation or nonsense-mediated mRNA decay. As such, this alteration is interpreted as a disease-causing mutation.

Labcorp Genetics (formerly Invitae), Labcorp
Classification: Pathogenic for Fanconi anemia. Last evaluated: 2023-02-24. Review status: criteria provided, single submitter. Criteria: Invitae Variant Classification Sherloc (09022015). Collection method: clinical testing. Allele origin: germline.
Comment: This sequence change creates a premature translational stop signal (p.Trp424*) in the FANCC gene. It is expected to result in an absent or disrupted protein product. Loss-of-function variants in FANCC are known to be pathogenic (PMID: 17924555). This variant is not present in population databases (gnomAD no frequency). This variant has not been reported in the literature in individuals affected with FANCC-related conditions. ClinVar contains an entry for this variant (Variation ID: 1050046). For these reasons, this variant has been classified as Pathogenic.

Department of Pathology and Laboratory Medicine, Sinai Health System
Classification: Likely pathogenic. Review status: no assertion criteria provided. Collection method: clinical testing. Allele origin: unknown. Affected: yes. Study: The Canadian Open Genetics Repository (COGR). Not counted in ClinVar's aggregate classification.
Comment: The FANCC p.Trp424* variant was not identified in the literature nor was it identified in the dbSNP, ClinVar, LOVD 3.0, the Exome Aggregation Consortium (August 8th 2016) or the Genome Aggregation Database (Feb 27, 2017). The p.Trp424* variant leads to a premature stop codon at position 424, which is predicted to lead to a truncated or absent protein and loss of function. Loss of function variants of the FANCC gene are an established disease mechanism and is the type of variant expected to cause the disorder. In summary, based on the above information the clinical significance of this variant cannot be determined with certainty at this time although we would lean towards a more pathogenic role for this variant. This variant is classified as likely pathogenic.

Literature cited by the submitters: PubMed 17924555 (cited by Labcorp Genetics (formerly Invitae), Labcorp).